The following is an entry in ClinVar:

NM_020433.5(JPH2):c.326C>T (p.Thr109Ile)

Gene: JPH2 (junctophilin 2; minus strand). Cytogenetic location: 20q13.12.
Variant type: single nucleotide variant.
Coding change: c.326C>T on transcript NM_020433.5 (MANE Select); coding-DNA position 326, C replaced by T.
Protein change: p.Thr109Ile; replaces threonine 109 with isoleucine.
Molecular consequence: missense variant.
Genome position (GRCh38, 1-based): chr20:44,186,380, G>A on the plus strand (C>T on the coding strand, the complement: JPH2 is on the minus strand). VCF-style: chr20-44186380-G-A. GRCh37 (hg19) VCF-style: chr20-42815020-G-A.
Other names: c.326C>T, p.Thr109Ile (NM_175913.4); short protein forms T109I.
Identifiers: ClinVar variation 3227386 (VCV003227386.2), dbSNP rs1250442339, ClinGen allele CA409095035.
Genomic context (GRCh38, chr20:44,186,380, plus strand): 5'-GCCTCACCTCCATCAGCATAGGTCTCGGTGCCATAGCCGTCTTGCAGGCCATTGTTCCAG[G>A]TGCCCTCATACTTGGCACCGCTGCTTGAGCTCTGCCGGATTCCGTAGCGTCCCTTGAAGC-3'
Protein context (NP_065166.2, residues 99-119): SSSSGAKYEG[Thr109Ile]WNNGLQDGYG

ClinVar aggregate classification (germline): Uncertain significance. Review status: criteria provided, multiple submitters, no conflicts (2 of 4 stars). 2 submissions from 2 submitters: Uncertain significance (2). Last evaluated 2025-05-15.

Conditions:
Hypertrophic cardiomyopathy. Also called: HYPERTROPHIC MYOCARDIOPATHY. Identifiers: Orphanet 217569, MedGen C0007194, MeSH D002312, MONDO:0005045, HP:0001639.
Cardiovascular phenotype. Identifiers: MedGen CN230736.

gnomAD v4.1: 1 of 1,613,312 alleles (0.000062%); highest among the groups gnomAD compares: South Asian, 0.0011%; no homozygotes.

Submissions (2):

Labcorp Genetics (formerly Invitae), Labcorp
Classification: Uncertain significance for Hypertrophic cardiomyopathy. Last evaluated: 2025-05-15. Review status: criteria provided, single submitter. Criteria: Invitae Variant Classification Sherloc (09022015). Collection method: clinical testing. Allele origin: germline.
Comment: This sequence change replaces threonine, which is neutral and polar, with isoleucine, which is neutral and non-polar, at codon 109 of the JPH2 protein (p.Thr109Ile). This variant is not present in population databases (gnomAD no frequency). This variant has not been reported in the literature in individuals affected with JPH2-related conditions. ClinVar contains an entry for this variant (Variation ID: 3227386). An algorithm developed to predict the effect of missense changes on protein structure and function (PolyPhen-2) suggests that this variant is likely to be disruptive. In summary, the available evidence is currently insufficient to determine the role of this variant in disease. Therefore, it has been classified as a Variant of Uncertain Significance.

Ambry Genetics
Classification: Uncertain significance for Cardiovascular phenotype. Last evaluated: 2023-11-29. Review status: criteria provided, single submitter. Criteria: Ambry Variant Classification Scheme 2023. Collection method: clinical testing. Allele origin: germline.
Comment: The p.T109I variant (also known as c.326C>T), located in coding exon 1 of the JPH2 gene, results from a C to T substitution at nucleotide position 326. The threonine at codon 109 is replaced by isoleucine, an amino acid with similar properties. This alteration has been reported in a dilated cardiomyopathy (DCM) cohort; however, clinical details were limited (Perret C et al. Clin Genet, 2023 Oct;[ePub ahead of print]). This amino acid position is highly conserved in available vertebrate species. In addition, the in silico prediction for this alteration is inconclusive. Since supporting evidence is limited at this time, the clinical significance of this alteration remains unclear.

Literature cited by the submitters: PubMed 37904629 (cited by Ambry Genetics).